The following is an entry in ClinVar:

NM_020949.3(SLC7A14):c.155dup (p.Leu53fs)

Genes: SLC7A14 (solute carrier family 7 member 14; minus strand), SLC7A14-AS1 (SLC7A14 antisense RNA 1; plus strand). Cytogenetic location: 3q26.2.
Variant type: Duplication.
Coding change: c.155dup on transcript NM_020949.3 (MANE Select); coding-DNA position 155, one base duplicated (T; older notation c.155dupT).
Protein change: p.Leu53fs; shifts the reading frame from leucine 53.
Molecular consequence: frameshift variant.
Genome position (GRCh38, 1-based): chr3:170,526,782, A duplicated on the plus strand (T on the coding strand, the reverse complement: SLC7A14 is on the minus strand). VCF-style (leftmost placement, unchanged base first): chr3-170526781-T-TA. GRCh37 (hg19) VCF-style: chr3-170244570-T-TA.
Other names: short protein forms L53fs.
Identifiers: ClinVar variation 1375824 (VCV001375824.6), dbSNP rs2108293740, ClinGen allele CA2573136737.

ClinVar aggregate classification (germline): Uncertain significance (1 of 4 stars; one submission).

Submission:

Labcorp Genetics (formerly Invitae), Labcorp
Classification: Uncertain significance. Last evaluated: 2022-06-25. Review status: criteria provided, single submitter. Criteria: Invitae Variant Classification Sherloc (09022015). Collection method: clinical testing. Allele origin: germline.
Comment: This variant is not present in population databases (gnomAD no frequency). In summary, the available evidence is currently insufficient to determine the role of this variant in disease. Therefore, it has been classified as a Variant of Uncertain Significance. This variant has not been reported in the literature in individuals affected with SLC7A14-related conditions. This sequence change creates a premature translational stop signal (p.Leu53Thrfs*107) in the SLC7A14 gene. It is expected to result in an absent or disrupted protein product. However, the current clinical and genetic evidence is not sufficient to establish whether loss-of-function variants in SLC7A14 cause disease.